The following is an entry in ClinVar:

NM_032776.3(JMJD1C):c.3143A>G (p.Asn1048Ser)

Gene: JMJD1C (jumonji domain containing 1C; minus strand). Cytogenetic location: 10q21.3.
Variant type: single nucleotide variant.
Coding change: c.3143A>G on transcript NM_032776.3 (MANE Select); coding-DNA position 3143, A replaced by G.
Protein change: p.Asn1048Ser; replaces asparagine 1048 with serine.
Molecular consequence: missense variant. On other transcripts: non-coding transcript variant (1).
Genome position (GRCh38, 1-based): chr10:63,208,526, T>C on the plus strand (A>G on the coding strand, the complement: JMJD1C is on the minus strand). VCF-style: chr10-63208526-T-C. GRCh37 (hg19) VCF-style: chr10-64968286-T-C.
Other names: c.2597A>G, p.Asn866Ser (NM_001282948.2, NM_001318154.2); c.2279A>G, p.Asn760Ser (NM_001318153.2); c.3029A>G, p.Asn1010Ser (NM_001322252.2); c.2486A>G, p.Asn829Ser (NM_001322254.2, NM_001322258.2); c.3143A>G (NM_032776.1); short protein forms N829S, N866S, N1048S, N1010S, N760S.
Identifiers: ClinVar variation 842197 (VCV000842197.12), dbSNP rs1486683352, ClinGen allele CA377042746.

ClinVar aggregate classification (germline): Uncertain significance. Review status: criteria provided, multiple submitters, no conflicts (2 of 4 stars). 2 submissions from 2 submitters: Uncertain significance (2). Last evaluated 2021-12-03.

Conditions:
Early Myoclonic Encephalopathy. Identifiers: MedGen C0270855.

Allele frequency attached by ClinVar (database versions not stated): gnomAD exomes 0.00001; gnomAD 0.00001.
gnomAD v4.1: 14 of 1,614,038 alleles (0.00087%); highest among the groups gnomAD compares: Non-Finnish European, 0.0011%; no homozygotes.

Submissions (2):

Ambry Genetics
Classification: Uncertain significance. Last evaluated: 2021-12-03. Review status: criteria provided, single submitter. Criteria: Ambry Variant Classification Scheme 2023. Collection method: clinical testing. Allele origin: germline.

Labcorp Genetics (formerly Invitae), Labcorp
Classification: Uncertain significance for Early Myoclonic Encephalopathy. Last evaluated: 2019-12-27. Review status: criteria provided, single submitter. Criteria: Invitae Variant Classification Sherloc (09022015). Collection method: clinical testing. Allele origin: germline.
Comment: In summary, the available evidence is currently insufficient to determine the role of this variant in disease. Therefore, it has been classified as a Variant of Uncertain Significance. Algorithms developed to predict the effect of missense changes on protein structure and function output the following: SIFT: "Tolerated"; PolyPhen-2: "Benign"; Align-GVGD: "Class C0". The serine amino acid residue is found in multiple mammalian species, suggesting that this missense change does not adversely affect protein function. These predictions have not been confirmed by published functional studies and their clinical significance is uncertain. This variant has not been reported in the literature in individuals with JMJD1C-related conditions. This variant is not present in population databases (ExAC no frequency). This sequence change replaces asparagine with serine at codon 1048 of the JMJD1C protein (p.Asn1048Ser). The asparagine residue is moderately conserved and there is a small physicochemical difference between asparagine and serine.